The following is an entry in ClinVar:

NM_001035.3(RYR2):c.38T>G (p.Phe13Cys)

Gene: RYR2 (ryanodine receptor 2; plus strand). Cytogenetic location: 1q43.
Variant type: single nucleotide variant.
Coding change: c.38T>G on transcript NM_001035.3 (MANE Select); coding-DNA position 38, T replaced by G.
Protein change: p.Phe13Cys; replaces phenylalanine 13 with cysteine.
Molecular consequence: missense variant.
Genome position (GRCh38, 1-based): chr1:237,042,559, T>G. VCF-style: chr1-237042559-T-G. GRCh37 (hg19) VCF-style: chr1-237205859-T-G.
Other names: c.38T>G, p.Phe13Cys (LRG_402t1); short protein forms F13C.
Identifiers: ClinVar variation 238232 (VCV000238232.10), dbSNP rs878854155, ClinGen allele CA10581771.

ClinVar aggregate classification (germline): Uncertain significance (1 of 4 stars; one submission).

Conditions:
Catecholaminergic polymorphic ventricular tachycardia 1. Also called: VENTRICULAR TACHYCARDIA, CATECHOLAMINERGIC POLYMORPHIC, 1, WITH OR WITHOUT ATRIAL DYSFUNCTION AND/OR DILATED CARDIOMYOPATHY; RYR2-Related Catecholaminergic Polymorphic Ventricular Tachycardia; VENTRICULAR TACHYCARDIA, STRESS-INDUCED POLYMORPHIC 1. Identifiers: Orphanet 3286, MedGen C1631597, MONDO:0011484, OMIM 604772.

Submission:

Labcorp Genetics (formerly Invitae), Labcorp
Classification: Uncertain significance for Catecholaminergic polymorphic ventricular tachycardia 1. Last evaluated: 2015-12-18. Review status: criteria provided, single submitter. Criteria: Invitae Variant Classification Sherloc (09022015). Collection method: clinical testing. Allele origin: germline.
Comment: This sequence change replaces phenylalanine with cysteine at codon 13 of the RYR2 protein (p.Phe13Cys). The phenylalanine residue is weakly conserved and there is a large physicochemical difference between phenylalanine and cysteine. This variant is not present in population databases (ExAC no frequency) and has not been reported in the literature in individuals with a RYR2-related disease. Algorithms developed to predict the effect of missense changes on protein structure and function do not agree on the potential impact of this missense change (SIFT: "Deleterious"; PolyPhen-2: "Probably Damaging"; Align-GVGD: "Class C0"). In summary, this is a novel missense change with uncertain impact on protein function. It has been classified as a Variant of Uncertain Significance.